The following is an entry in ClinVar:

ClinVar aggregate classification (germline): Uncertain significance. Review status: criteria provided, multiple submitters, no conflicts (2 of 4 stars). 2 submissions from 2 submitters: Uncertain significance (2). Last evaluated 2024-01-05.

Conditions:
Severe early-onset pulmonary alveolar proteinosis due to MARS deficiency. Also called: PULMONARY ALVEOLAR PROTEINOSIS, REUNION ISLAND; Interstitial lung and liver disease. Identifiers: Orphanet 440427, MedGen C4225400, MONDO:0014206, OMIM 615486.
Charcot-Marie-Tooth disease axonal type 2U. Also called: CHARCOT-MARIE-TOOTH NEUROPATHY, TYPE 2U; CHARCOT-MARIE-TOOTH DISEASE, AXONAL, AUTOSOMAL DOMINANT, TYPE 2U. Identifiers: Orphanet 397735, MedGen C4084821, MONDO:0014566, OMIM 616280.

Allele frequency attached by ClinVar (database versions not stated): TOPMed below 0.00001; gnomAD 0.00001.
gnomAD v4.1: 18 of 1,613,994 alleles (0.0011%); highest among the groups gnomAD compares: Non-Finnish European, 0.0014%; no homozygotes.

Submissions (2):

Labcorp Genetics (formerly Invitae), Labcorp
Classification: Uncertain significance for Charcot-Marie-Tooth disease axonal type 2U; Severe early-onset pulmonary alveolar proteinosis due to MARS deficiency. Last evaluated: 2024-01-05. Review status: criteria provided, single submitter. Criteria: Invitae Variant Classification Sherloc (09022015). Collection method: clinical testing. Allele origin: germline.
Comment: This sequence change replaces proline, which is neutral and non-polar, with threonine, which is neutral and polar, at codon 154 of the MARS protein (p.Pro154Thr). This variant is not present in population databases (gnomAD no frequency). This variant has not been reported in the literature in individuals affected with MARS-related conditions. ClinVar contains an entry for this variant (Variation ID: 1799796). An algorithm developed to predict the effect of missense changes on protein structure and function (PolyPhen-2) suggests that this variant is likely to be disruptive. In summary, the available evidence is currently insufficient to determine the role of this variant in disease. Therefore, it has been classified as a Variant of Uncertain Significance.

Ambry Genetics
Classification: Uncertain significance. Last evaluated: 2021-11-09. Review status: criteria provided, single submitter. Criteria: Ambry Variant Classification Scheme 2023. Collection method: clinical testing. Allele origin: germline.
Comment: The p.P154T variant (also known as c.460C>A), located in coding exon 5 of the MARS gene, results from a C to A substitution at nucleotide position 460. The proline at codon 154 is replaced by threonine, an amino acid with highly similar properties. This amino acid position is conserved. In addition, the in silico prediction for this alteration is inconclusive. Since supporting evidence is limited at this time, the clinical significance of this alteration remains unclear.

NM_004990.4(MARS1):c.460C>A (p.Pro154Thr)

Gene: MARS1 (methionyl-tRNA synthetase 1; plus strand). Cytogenetic location: 12q13.3.
Variant type: single nucleotide variant.
Coding change: c.460C>A on transcript NM_004990.4 (MANE Select); coding-DNA position 460, C replaced by A.
Protein change: p.Pro154Thr; replaces proline 154 with threonine.
Molecular consequence: missense variant.
Genome position (GRCh38, 1-based): chr12:57,489,941, C>A. VCF-style: chr12-57489941-C-A. GRCh37 (hg19) VCF-style: chr12-57883724-C-A.
Other names: short protein forms P154T.
Identifiers: ClinVar variation 1799796 (VCV001799796.5), dbSNP rs1875801450, ClinGen allele CA385491687.
Genomic context (GRCh38, chr12:57,489,941, plus strand): 5'-CTATCCCCAACAAAGGAGACAGAATCTCTAGCCGACATTGTTTTGTGGGGAGCCCTATAC[C>A]CATTACTGCAAGATCCCGCCTACCTCCCTGGTGAGAACTGTGCATATCACTCCAACCCTA-3'
Protein context (NP_004981.2, residues 144-164): ADIVLWGALY[Pro154Thr]LLQDPAYLPE